The following is an entry in ClinVar:

ClinVar aggregate classification (germline): Pathogenic. Review status: criteria provided, multiple submitters, no conflicts (2 of 4 stars). 2 submissions from 2 submitters: Pathogenic (2). Last evaluated 2025-11-20.

Conditions:
Polycystic kidney disease, adult type (PKD1). Also called: Polycystic kidney disease 1; Polycystic kidney disease 1, severe; Polycystic Kidney Disease 1, Autosomal Dominant; Polycystic Kidney, Autosomal Dominant; POLYCYSTIC KIDNEY DISEASE 1 WITH OR WITHOUT POLYCYSTIC LIVER DISEASE; POLYCYSTIC KIDNEY DISEASE, ADULT, TYPE I. Identifiers: MedGen C3149841, MONDO:0008263, OMIM 173900.

Submissions (2):

Variantyx, Inc.
Classification: Pathogenic for Polycystic kidney disease, adult type. Last evaluated: 2025-11-20. Review status: criteria provided, single submitter. Criteria: Variantyx Assertion Criteria 2022. Collection method: clinical testing. Allele origin: germline. Inheritance: Autosomal dominant inheritance. Affected: yes.
Comment: This is a frameshift variant in the PKD1 gene (OMIM: 601313). Pathogenic variants in this gene have been associated with autosomal dominant polycystic kidney disease 1. This variant introduces a premature termination codon in exon 4 out of 46 and is expected to result in loss of function, which is a known disease mechanism for PKD1 in this disorder {PMID:22508176) (PVS1). This variant has been reported in at least one affected individual (PMID: 22508176) (PS4_Moderate). This variant is absent from control populations (PM2). Based on the current evidence, this variant is classified as pathogenic for autosomal dominant polycystic kidney disease 1.

Juno Genomics, Hangzhou Juno Genomics, Inc
Classification: Pathogenic for Polycystic kidney disease, adult type. Review status: criteria provided, single submitter. Criteria: ACMG Guidelines, 2015. Collection method: clinical testing. Allele origin: germline. Affected: yes.
Comment: Absent from controls (or at extremely low frequency if recessive) in Genome Aggregation Database, Exome Sequencing Project, 1000 Genomes Project, or Exome Aggregation Consortium.;Null variant in a gene where loss of function (LOF) is a known mechanism of disease.;The prevalence of the variant in affected individuals is significantly increased compared to the prevalence in controls.;Patient's phenotype or family history is highly specific for a disease with a single genetic etiology.

Literature cited by the submitters: PubMed 22508176 (cited by Variantyx, Inc.).

NM_001009944.3(PKD1):c.393_394del (p.Cys131fs)

Gene: PKD1 (polycystin 1, transient receptor potential channel interacting; minus strand). Cytogenetic location: 16p13.3.
Variant type: Microsatellite.
Coding change: c.393_394del on transcript NM_001009944.3 (MANE Select); coding-DNA positions 393 to 394, 2 bases deleted (TG; older notation c.393_394delTG).
Protein change: p.Cys131fs; shifts the reading frame from cysteine 131.
Molecular consequence: frameshift variant.
Genome position (GRCh38, 1-based): chr16:2,118,811-2,118,812, CA deleted on the plus strand (TG on the coding strand, the reverse complement: PKD1 is on the minus strand); deleting any 2 consecutive bases within chr16:2,118,811-2,118,814 gives the same sequence; the c. name uses the placement nearest the transcript's 3' end. VCF-style (leftmost placement, unchanged base first): chr16-2118810-CCA-C. GRCh37 (hg19) VCF-style: chr16-2168811-CCA-C.
Other names: c.393_394del, p.Cys131fs (NM_000296.4); short protein forms C131fs.
Identifiers: ClinVar variation 3335878 (VCV003335878.3).